The following is an entry in ClinVar:

NM_000051.4(ATM):c.6743del (p.Lys2248fs)

Genes: ATM (ATM serine/threonine kinase; plus strand), C11orf65 (chromosome 11 open reading frame 65; minus strand). Cytogenetic location: 11q22.3.
Variant type: Deletion.
Coding change: c.6743del on transcript NM_000051.4 (MANE Select); coding-DNA position 6743, one base deleted (A; older notation c.6743delA).
Protein change: p.Lys2248fs; shifts the reading frame from lysine 2248.
Molecular consequence: frameshift variant. On other transcripts: intron variant (2).
Genome position (GRCh38, 1-based): chr11:108,325,480, A deleted; the last of 2 consecutive A bases (chr11:108,325,479-108,325,480); deleting either gives the same sequence. VCF-style (leftmost placement, unchanged base first): chr11-108325478-TA-T. GRCh37 (hg19) VCF-style: chr11-108196205-TA-T.
Other names: c.6743del, p.Lys2248fs (NM_001351834.2); c.641-16408del (NM_001330368.2); c.*38+9741del (NM_001351110.2); short protein forms K2248fs.
Identifiers: ClinVar variation 3148619 (VCV003148619.1), dbSNP rs2085573796, ClinGen allele CA2825001934.

ClinVar aggregate classification (germline): Pathogenic (1 of 4 stars; one submission).

Conditions:
Familial cancer of breast. Also called: hereditary breast carcinoma; BREAST CANCER, FAMILIAL; Hereditary breast cancer. Identifiers: Orphanet 227535, MedGen C0346153, MONDO:0016419, OMIM 114480. Disease mechanism: loss of function.

Submission:

Myriad Genetics, Inc.
Classification: Pathogenic for Familial cancer of breast. Last evaluated: 2024-01-30. Review status: criteria provided, single submitter. Criteria: Myriad Autosomal Dominant, Autosomal Recessive and X-Linked Classification Criteria (2023). Collection method: clinical testing. Allele origin: unknown.
Comment: This variant is considered pathogenic. This variant creates a frameshift predicted to result in premature protein truncation.